The following is an entry in ClinVar:

ClinVar aggregate classification (germline): Uncertain significance (1 of 4 stars; one submission).

Conditions:
PPP1R21-related disorder. Also called: PPP1R21-related condition.

Allele frequency attached by ClinVar (database versions not stated): gnomAD exomes below 0.00001.
gnomAD v4.1: 3 of 1,613,260 alleles (0.00019%); highest among the groups gnomAD compares: Non-Finnish European, 0.00025%; no homozygotes.

Submission:

PreventionGenetics, part of Exact Sciences
Classification: Uncertain significance for PPP1R21-related condition. Last evaluated: 2023-04-27. Review status: criteria provided, single submitter. Criteria: ACMG Guidelines, 2015. Collection method: clinical testing. Allele origin: germline.
Comment: The PPP1R21 c.971G>A variant is predicted to result in the amino acid substitution p.Ser324Asn. To our knowledge, this variant has not been reported in the literature or in a large population database, indicating this variant is rare. At this time, the clinical significance of this variant is uncertain due to the absence of conclusive functional and genetic evidence.

NM_001135629.3(PPP1R21):c.971G>A (p.Ser324Asn)

Gene: PPP1R21 (protein phosphatase 1 regulatory subunit 21; plus strand). Cytogenetic location: 2p16.3.
Variant type: single nucleotide variant.
Coding change: c.971G>A on transcript NM_001135629.3 (MANE Select); coding-DNA position 971, G replaced by A.
Protein change: p.Ser324Asn; replaces serine 324 with asparagine.
Molecular consequence: missense variant. On other transcripts: non-coding transcript variant (1).
Genome position (GRCh38, 1-based): chr2:48,471,160, G>A. VCF-style: chr2-48471160-G-A. GRCh37 (hg19) VCF-style: chr2-48698299-G-A.
Other names: c.971G>A, p.Ser324Asn (NM_001193475.2, NM_152994.5); short protein forms S324N.
Identifiers: ClinVar variation 2634883 (VCV002634883.1), dbSNP rs2528902943, ClinGen allele CA346754538.
Genomic context (GRCh38, chr2:48,471,160, plus strand): 5'-TTCATGAAAATGCGTCCTATGTCCGCCCTCTTGAGGAAGGAATGCTTCATTTATTTGAAA[G>A]TATCACTGAGGATACTGTGACTGTCTTGGTAATTTTCTTCCTTGTTTTACTTCTGGAAAC-3'
Protein context (NP_001129101.1, residues 314-334): LEEGMLHLFE[Ser324Asn]ITEDTVTVLE